The following is an entry in ClinVar:

ClinVar aggregate classification (germline): Pathogenic (1 of 4 stars; one submission).

Submission:

ISCA site 17
Classification: Pathogenic. Last evaluated: 2011-08-12. Review status: criteria provided, single submitter. Criteria: Kaminsky et al. (Genet Med. 2011). Collection method: clinical testing. Allele origin: unknown. Affected: yes. Observed: 1 variant allele.
Comment: Copy number variation identified through the course of routine clinical cytogenomic testing in postnatal populations. Clinical assertions have been curated as described in Kaminsky et al. 2011.

GRCh38/hg38 1p36.33(chr1:844347-2131805)x1

Genes: ACAP3 (ArfGAP with coiled-coil, ankyrin repeat and PH domains 3; minus strand), AGRN (agrin; plus strand), ANKRD65 (ankyrin repeat domain 65; minus strand), ANKRD65-AS1 (ANKRD65 antisense RNA 1; plus strand), ATAD3A (ATPase family AAA domain containing 3A; plus strand) and 203 more. Cytogenetic location: 1p36.33.
Variant type: copy number loss.
Change: copy number 1 (one copy instead of two) of chr1:844,347-2,131,805 (1.29 Mb, GRCh38 coordinates, 1-based), cytogenetic band 1p36.33.
Identifiers: ClinVar variation 58292 (VCV000058292.1).